The following is an entry in ClinVar:

ClinVar aggregate classification (germline): Conflicting classifications of pathogenicity. Review status: criteria provided, conflicting classifications (1 of 4 stars). 3 submissions from 3 submitters: Uncertain significance (1); Likely benign (1). 1 of the submissions does not count toward it. Last evaluated 2025-08-14.

Conditions:
RAI1-related disorder. Also called: RAI1-related condition.
Inborn genetic diseases. Identifiers: MedGen C0950123, MeSH D030342.

Allele frequency attached by ClinVar (database versions not stated): gnomAD exomes 0.00002; ExAC 0.00003; TOPMed 0.00003; gnomAD 0.00005.
gnomAD v4.1: 74 of 1,613,566 alleles (0.0046%); highest among the groups gnomAD compares: South Asian, 0.0066%; no homozygotes.

Submissions (3):

Labcorp Genetics (formerly Invitae), Labcorp
Classification: Uncertain significance. Last evaluated: 2025-08-14. Review status: criteria provided, single submitter. Criteria: Invitae Variant Classification Sherloc (09022015). Collection method: clinical testing. Allele origin: germline.
Comment: This sequence change replaces arginine, which is basic and polar, with glutamine, which is neutral and polar, at codon 42 of the RAI1 protein (p.Arg42Gln). This variant is present in population databases (rs200367247, gnomAD 0.006%). This variant has not been reported in the literature in individuals affected with RAI1-related conditions. ClinVar contains an entry for this variant (Variation ID: 1494799). Invitae Evidence Modeling of protein sequence and biophysical properties (such as structural, functional, and spatial information, amino acid conservation, physicochemical variation, residue mobility, and thermodynamic stability) indicates that this missense variant is not expected to disrupt RAI1 protein function with a negative predictive value of 80%. In summary, the available evidence is currently insufficient to determine the role of this variant in disease. Therefore, it has been classified as a Variant of Uncertain Significance.

Ambry Genetics
Classification: Likely benign for Inborn genetic diseases. Last evaluated: 2018-11-10. Review status: criteria provided, single submitter. Criteria: Ambry Variant Classification Scheme 2023. Collection method: clinical testing. Allele origin: germline.

PreventionGenetics, part of Exact Sciences
Classification: Uncertain significance for RAI1-related condition. Last evaluated: 2024-07-24. Review status: no assertion criteria provided. Collection method: clinical testing. Allele origin: germline. Not counted in ClinVar's aggregate classification.
Comment: The RAI1 c.125G>A variant is predicted to result in the amino acid substitution p.Arg42Gln. To our knowledge, this variant has not been reported in the literature. This variant is reported in 0.0065% of alleles in individuals of South Asian descent in gnomAD. At this time, the clinical significance of this variant is uncertain due to the absence of conclusive functional and genetic evidence.

NM_030665.4(RAI1):c.125G>A (p.Arg42Gln)

Gene: RAI1 (retinoic acid induced 1; plus strand). Cytogenetic location: 17p11.2.
Variant type: single nucleotide variant.
Coding change: c.125G>A on transcript NM_030665.4 (MANE Select); coding-DNA position 125, G replaced by A.
Protein change: p.Arg42Gln; replaces arginine 42 with glutamine.
Molecular consequence: missense variant.
Genome position (GRCh38, 1-based): chr17:17,793,073, G>A. VCF-style: chr17-17793073-G-A. GRCh37 (hg19) VCF-style: chr17-17696387-G-A.
Other names: short protein forms R42Q.
Identifiers: ClinVar variation 1494799 (VCV001494799.12), dbSNP rs200367247, ClinGen allele CA8418050.
Genomic context (GRCh38, chr17:17,793,073, plus strand): 5'-AGGAAACATCACGCCTAGAGAATTACAGGCAGCCGAGTCAGGCCGGGCTAAGCTGCGACC[G>A]GCAGCGGCTGCTCGCCAAGGACTATTATAACCCGCAGCCTTACCCGAGCTATGAGGGTGG-3'
Protein context (NP_109590.3, residues 32-52): QPSQAGLSCD[Arg42Gln]QRLLAKDYYN